The following is an entry in ClinVar:

ClinVar aggregate classification (germline): Benign/Likely benign. Review status: criteria provided, multiple submitters, no conflicts (2 of 4 stars). 9 submissions from 9 submitters: Benign (4); Likely benign (5). Last evaluated 2026-01-29.

Conditions:
Monocytopenia with susceptibility to infections. Also called: IMMUNODEFICIENCY 21; GATA2 DEFICIENCY; Dendritic cell, monocyte, B lymphocyte, and natural killer lymphocyte deficiency; MONOCYTOPENIA AND MYCOBACTERIAL INFECTION SYNDROME; MONOCYTOPENIA WITH SUSCEPTIBILITY TO MYCOBACTERIAL, FUNGAL, AND PAPILLOMAVIRUS INFECTIONS AND MYELODYSPLASIA; COMBINED IMMUNODEFICIENCY WITH SUSCEPTIBILITY TO MYCOBACTERIAL, VIRAL, AND FUNGAL INFECTIONS. Identifiers: Orphanet 228423, MedGen C3280030, MONDO:0013607, OMIM 614172.
Deafness-lymphedema-leukemia syndrome. Also called: Lymphedema, primary, with myelodysplasia; Emberger syndrome. Identifiers: Orphanet 3226, MedGen C3279664, MONDO:0013540, OMIM 614038.
Hereditary cancer-predisposing syndrome. Also called: Tumor predisposition; Hereditary Cancer Syndrome; Neoplastic Syndromes, Hereditary; Hereditary neoplastic syndrome. Identifiers: Orphanet 140162, MedGen C0027672, MeSH D009386, MONDO:0015356.
Inborn genetic diseases. Identifiers: MedGen C0950123, MeSH D030342.

Allele frequency attached by ClinVar (database versions not stated): gnomAD exomes 0.00018 and 0.00049; ExAC 0.00123; gnomAD 0.00212 and 0.00228; 1000 Genomes Project 30x 0.00219; 1000 Genomes Project 0.00220; ESP Exome Variant Server 0.00226; TOPMed 0.00235.
gnomAD v4.1: 610 of 1,571,482 alleles (0.039%); highest among the groups gnomAD compares: African/African-American, 0.72%; 4 homozygotes.

Submissions (9):

Labcorp Genetics (formerly Invitae), Labcorp
Classification: Benign for Monocytopenia with susceptibility to infections; Deafness-lymphedema-leukemia syndrome. Last evaluated: 2026-01-29. Review status: criteria provided, single submitter. Criteria: Invitae Variant Classification Sherloc (09022015). Collection method: clinical testing. Allele origin: germline.

Mayo Clinic Laboratories, Mayo Clinic
Classification: Likely benign. Last evaluated: 2025-05-19. Review status: criteria provided, single submitter. Criteria: ACMG Guidelines, 2015. Collection method: clinical testing. Allele origin: germline. Observed: 7 variant alleles.
Comment: BS1, BP4, BP7

CeGaT Center for Human Genetics Tuebingen
Classification: Likely benign. Last evaluated: 2025-04-01. Review status: criteria provided, single submitter. Criteria: CeGaT Center For Human Genetics Tuebingen Variant Classification Criteria Version 2. Collection method: clinical testing. Allele origin: germline. Affected: yes. Observed: 1 variant allele.
Comment: GATA2: BP4, BP7, BS1

Blueprint Genetics
Classification: Likely benign. Last evaluated: 2024-11-13. Review status: criteria provided, single submitter. Criteria: ACMG Guidelines, 2015. Collection method: clinical testing. Allele origin: germline.

Ambry Genetics
Classification: Likely benign for Inborn genetic diseases. Last evaluated: 2024-08-21. Review status: criteria provided, single submitter. Criteria: Ambry Variant Classification Scheme 2023. Collection method: clinical testing. Allele origin: germline.

Sema4
Classification: Benign for Hereditary cancer-predisposing syndrome. Last evaluated: 2020-12-12. Review status: criteria provided, single submitter. Criteria: Sema4 Curation Guidelines. Collection method: curation. Allele origin: germline.

Genetic Services Laboratory, University of Chicago
Classification: Benign. Last evaluated: 2018-03-22. Review status: criteria provided, single submitter. Criteria: ACMG Guidelines, 2015. Collection method: clinical testing. Allele origin: germline. Affected: no.

Illumina Laboratory Services, Illumina
Classification: Benign for Deafness-lymphedema-leukemia syndrome. Last evaluated: 2018-01-13. Review status: criteria provided, single submitter. Criteria: ICSL Variant Classification Criteria 13 December 2019. Collection method: clinical testing. Allele origin: germline.
Comment: This variant was observed in the ICSL laboratory as part of a predisposition screen in an ostensibly healthy population. It had not been previously curated by ICSL or reported in the Human Gene Mutation Database (HGMD: prior to June 1st, 2018), and was therefore a candidate for classification through an automated scoring system. Utilizing variant allele frequency, disease prevalence and penetrance estimates, and inheritance mode, an automated score was calculated to assess if this variant is too frequent to cause the disease. Based on the score and internal cut-off values, a variant classified as benign is not then subjected to further curation. The score for this variant resulted in a classification of benign for this disease.

PreventionGenetics, part of Exact Sciences
Classification: Likely benign. Review status: criteria provided, single submitter. Criteria: ACMG Guidelines, 2015. Collection method: clinical testing. Allele origin: germline.

NM_032638.5(GATA2):c.333C>T (p.His111=)

Gene: GATA2 (GATA binding protein 2; minus strand). Cytogenetic location: 3q21.3.
Variant type: single nucleotide variant.
Coding change: c.333C>T on transcript NM_032638.5 (MANE Select); coding-DNA position 333, C replaced by T.
Protein change: p.His111=; no amino-acid change (histidine 111 retained).
Molecular consequence: synonymous variant.
Genome position (GRCh38, 1-based): chr3:128,486,265, G>A on the plus strand (C>T on the coding strand, the complement: GATA2 is on the minus strand). VCF-style: chr3-128486265-G-A. GRCh37 (hg19) VCF-style: chr3-128205108-G-A.
Other names: p.His111=; c.333C>T, p.His111= (NM_001145661.2, NM_001145662.1).
Identifiers: ClinVar variation 257564 (VCV000257564.31), dbSNP rs148554346, ClinGen allele CA2600040.